The following is an entry in ClinVar:

ClinVar aggregate classification (germline): Pathogenic (1 of 4 stars; one submission).

Conditions:
Chromosome 2q32-q33 deletion syndrome (GLASS). Also called: 2q33.1 deletion syndrome; Glass syndrome. Identifiers: Orphanet 251019, MedGen C2676739, MONDO:0012864, OMIM 612313.

Submission:

Genos
Classification: Pathogenic for Chromosome 2q32-q33 deletion syndrome. Last evaluated: 2026-08-01. Review status: criteria provided, single submitter. Criteria: ACMG Guidelines, 2015. Collection method: clinical testing. Allele origin: de novo. Inheritance: Autosomal dominant inheritance. Affected: yes.
Comment: The variant NM_015265.4.323dup, p.(His108Glnfs*101) introduces a frameshift and premature termination codon early in the SATB2 coding sequence. The altered transcript is predicted to undergo nonsense-mediated mRNA decay, resulting in loss of SATB2 function. Loss of function is an established disease mechanism for SATB2-associated syndrome. The variant is absent from gnomAD v4.1.1. The phenotype of the individual in whom the variant was identified is consistent with SATB2-associated syndrome. The variant was not detected in either parent and is presumed to have occurred de novo. Based on ACMG/AMP criteria, this variant is classified as pathogenic (PVS1, PM2_Supporting, PM6).

NM_001172509.2(SATB2):c.323dup (p.His108fs)

Gene: SATB2 (SATB homeobox 2; minus strand). Cytogenetic location: 2q33.1.
Variant type: Duplication.
Coding change: c.323dup on transcript NM_001172509.2 (MANE Select); coding-DNA position 323, one base duplicated (A; older notation c.323dupA).
Protein change: p.His108fs; shifts the reading frame from histidine 108.
Molecular consequence: frameshift variant. On other transcripts: non-coding transcript variant (1).
Genome position (GRCh38, 1-based): chr2:199,433,361, T duplicated on the plus strand (A on the coding strand, the reverse complement: SATB2 is on the minus strand). VCF-style (leftmost placement, unchanged base first): chr2-199433360-G-GT. GRCh37 (hg19) VCF-style: chr2-200298083-G-GT.
Other names: c.323dup, p.His108fs (NM_001172517.1, NM_015265.4); short protein forms H108fs.
Identifiers: ClinVar variation 4884347 (VCV004884347.1).